The following is an entry in ClinVar:

NM_018489.3(ASH1L):c.8160C>G (p.Pro2720=)

Gene: ASH1L (ASH1 like histone lysine methyltransferase; minus strand). Cytogenetic location: 1q22.
Variant type: single nucleotide variant.
Coding change: c.8160C>G on transcript NM_018489.3 (MANE Select); coding-DNA position 8160, C replaced by G.
Protein change: p.Pro2720=; no amino-acid change (proline 2720 retained).
Molecular consequence: synonymous variant.
Genome position (GRCh38, 1-based): chr1:155,343,447, G>C on the plus strand (C>G on the coding strand, the complement: ASH1L is on the minus strand). VCF-style: chr1-155343447-G-C. GRCh37 (hg19) VCF-style: chr1-155313238-G-C.
Other names: c.8175C>G, p.Pro2725= (NM_001366177.2).
Identifiers: ClinVar variation 3048477 (VCV003048477.22), dbSNP rs377030702, ClinGen allele CA1145937.

ClinVar aggregate classification (germline): Likely benign. Review status: criteria provided, single submitter (1 of 4 stars). 2 submissions from 2 submitters: Likely benign (1). 1 of the submissions does not count toward it. Last evaluated 2024-03-01.

Conditions:
ASH1L-related disorder. Also called: ASH1L-related condition.

Allele frequency attached by ClinVar (database versions not stated): gnomAD 0.00005; TOPMed 0.00005; ExAC 0.00006; ESP Exome Variant Server 0.00008; gnomAD exomes 0.00008.
gnomAD v4.1: 125 of 1,614,038 alleles (0.0077%); highest among the groups gnomAD compares: Non-Finnish European, 0.01%; no homozygotes.

Submissions (2):

CeGaT Center for Human Genetics Tuebingen
Classification: Likely benign. Last evaluated: 2024-03-01. Review status: criteria provided, single submitter. Criteria: CeGaT Center For Human Genetics Tuebingen Variant Classification Criteria Version 2. Collection method: clinical testing. Allele origin: germline. Affected: yes. Observed: 1 variant allele.
Comment: ASH1L: BP4, BP7

PreventionGenetics, part of Exact Sciences
Classification: Likely benign for ASH1L-related condition. Last evaluated: 2019-12-31. Review status: no assertion criteria provided. Collection method: clinical testing. Allele origin: germline. Not counted in ClinVar's aggregate classification.
Comment: This variant is classified as likely benign based on ACMG/AMP sequence variant interpretation guidelines (Richards et al. 2015 PMID: 25741868, with internal and published modifications).